The following is an entry in ClinVar:

ClinVar aggregate classification (germline): Uncertain significance (1 of 4 stars; one submission).

Submission:

GeneDx
Classification: Uncertain significance. Last evaluated: 2025-07-22. Review status: criteria provided, single submitter. Criteria: GeneDx Variant Classification Process June 2021. Collection method: clinical testing. Allele origin: germline. Affected: yes.
Comment: Not observed at significant frequency in large population cohorts (gnomAD); In silico analysis supports that this missense variant has a deleterious effect on protein structure/function; Has not been previously published as pathogenic or benign to our knowledge

NM_000937.5(POLR2A):c.3653G>A (p.Arg1218Gln)

Gene: POLR2A (RNA polymerase II subunit A; plus strand). Cytogenetic location: 17p13.1.
Variant type: single nucleotide variant.
Coding change: c.3653G>A on transcript NM_000937.5 (MANE Select); coding-DNA position 3653, G replaced by A.
Protein change: p.Arg1218Gln; replaces arginine 1218 with glutamine.
Molecular consequence: missense variant.
Genome position (GRCh38, 1-based): chr17:7,509,131, G>A. VCF-style: chr17-7509131-G-A. GRCh37 (hg19) VCF-style: chr17-7412450-G-A.
Other names: short protein forms R1218Q.
Identifiers: ClinVar variation 4686874 (VCV004686874.1).